The following is an entry in ClinVar:

ClinVar aggregate classification (germline): Uncertain significance (1 of 4 stars; one submission).

Submission:

Labcorp Genetics (formerly Invitae), Labcorp
Classification: Uncertain significance. Last evaluated: 2024-04-06. Review status: criteria provided, single submitter. Criteria: Invitae Variant Classification Sherloc (09022015). Collection method: clinical testing. Allele origin: germline.
Comment: This sequence change replaces isoleucine, which is neutral and non-polar, with valine, which is neutral and non-polar, at codon 582 of the KL protein (p.Ile582Val). This variant is not present in population databases (gnomAD no frequency). This variant has not been reported in the literature in individuals affected with KL-related conditions. Advanced modeling of protein sequence and biophysical properties (such as structural, functional, and spatial information, amino acid conservation, physicochemical variation, residue mobility, and thermodynamic stability) performed at Invitae indicates that this missense variant is not expected to disrupt KL protein function with a negative predictive value of 80%. In summary, the available evidence is currently insufficient to determine the role of this variant in disease. Therefore, it has been classified as a Variant of Uncertain Significance.

NM_004795.4(KL):c.1744A>G (p.Ile582Val)

Gene: KL (klotho; plus strand). Cytogenetic location: 13q13.1.
Variant type: single nucleotide variant.
Coding change: c.1744A>G on transcript NM_004795.4 (MANE Select); coding-DNA position 1744, A replaced by G.
Protein change: p.Ile582Val; replaces isoleucine 582 with valine.
Molecular consequence: missense variant.
Genome position (GRCh38, 1-based): chr13:33,060,823, A>G. VCF-style: chr13-33060823-A-G. GRCh37 (hg19) VCF-style: chr13-33634960-A-G.
Other names: short protein forms I582V.
Identifiers: ClinVar variation 3684672 (VCV003684672.2).
Genomic context (GRCh38, chr13:33,060,823, plus strand): 5'-GGGGTTGTGACCAAGAAGAGGAAATCCTACTGTGTTGACTTTGCTGCCATCCAGCCCCAG[A>G]TCGCTTTACTCCAGGAAATGCACGTTACACATTTTCGCTTCTCCCTGGACTGGGCCCTGA-3'
Protein context (NP_004786.2, residues 572-592): CVDFAAIQPQ[Ile582Val]ALLQEMHVTH